The following is an entry in ClinVar:

ClinVar aggregate classification (germline): Uncertain significance (1 of 4 stars; one submission).

Allele frequency attached by ClinVar (database versions not stated): gnomAD 0.00002; TOPMed 0.00003.
gnomAD v4.1: 3 of 1,613,654 alleles (0.00019%); highest among the groups gnomAD compares: African/African-American, 0.004%; no homozygotes.

Submission:

Labcorp Genetics (formerly Invitae), Labcorp
Classification: Uncertain significance. Last evaluated: 2024-12-16. Review status: criteria provided, single submitter. Criteria: Invitae Variant Classification Sherloc (09022015). Collection method: clinical testing. Allele origin: germline.
Comment: This sequence change affects a donor splice site in intron 2 of the IL12RB2 gene. It is expected to disrupt RNA splicing. Variants that disrupt the donor or acceptor splice site typically lead to a loss of protein function (PMID: 16199547), however the current clinical and genetic evidence is not sufficient to establish whether loss-of-function variants in IL12RB2 cause disease. This variant is present in population databases (no rsID available, gnomAD 0.01%). This variant has not been reported in the literature in individuals affected with IL12RB2-related conditions. ClinVar contains an entry for this variant (Variation ID: 1974676). Algorithms developed to predict the effect of sequence changes on RNA splicing suggest that this variant may disrupt the consensus splice site. In summary, the available evidence is currently insufficient to determine the role of this variant in disease. Therefore, it has been classified as a Variant of Uncertain Significance.

Literature cited by the submitters: PubMed 16199547.

NM_001374259.2(IL12RB2):c.76+2T>G

Gene: IL12RB2 (interleukin 12 receptor subunit beta 2; plus strand). Cytogenetic location: 1p31.3.
Variant type: single nucleotide variant.
Coding change: c.76+2T>G on transcript NM_001374259.2 (MANE Select); the canonical splice donor site of the intron after coding-DNA position 76, T replaced by G.
Molecular consequence: splice donor variant.
Genome position (GRCh38, 1-based): chr1:67,320,446, T>G. VCF-style: chr1-67320446-T-G. GRCh37 (hg19) VCF-style: chr1-67786129-T-G.
Other names: c.76+2T>G (NM_001258214.1, NM_001319233.1, NM_001258216.1 and 2 more transcripts).
Identifiers: ClinVar variation 1974676 (VCV001974676.5), dbSNP rs757519323, ClinGen allele CA23494462.